The following is an entry in ClinVar:

ClinVar aggregate classification (germline): Uncertain significance (1 of 4 stars; one submission).

Conditions:
Nemaline myopathy 2 (NEM2). Also called: Nemaline myopathy 2, autosomal recessive. Identifiers: MedGen C1850569, MONDO:0009725, OMIM 256030.

Submission:

Labcorp Genetics (formerly Invitae), Labcorp
Classification: Uncertain significance for Nemaline myopathy 2. Last evaluated: 2024-02-08. Review status: criteria provided, single submitter. Criteria: Invitae Variant Classification Sherloc (09022015). Collection method: clinical testing. Allele origin: germline.
Comment: This sequence change replaces lysine, which is basic and polar, with glutamic acid, which is acidic and polar, at codon 6126 of the NEB protein (p.Lys6126Glu). This variant is not present in population databases (gnomAD no frequency). This variant has not been reported in the literature in individuals affected with NEB-related conditions. Experimental studies and prediction algorithms are not available or were not evaluated, and the functional significance of this variant is currently unknown. In summary, the available evidence is currently insufficient to determine the role of this variant in disease. Therefore, it has been classified as a Variant of Uncertain Significance.

NM_001164508.2(NEB):c.18376A>G (p.Lys6126Glu)

Gene: NEB (nebulin; minus strand). Cytogenetic location: 2q23.3.
Variant type: single nucleotide variant.
Coding change: c.18376A>G on transcript NM_001164508.2 (MANE Select); coding-DNA position 18376, A replaced by G.
Protein change: p.Lys6126Glu; replaces lysine 6126 with glutamic acid.
Molecular consequence: missense variant.
Genome position (GRCh38, 1-based): chr2:151,565,139, T>C on the plus strand (A>G on the coding strand, the complement: NEB is on the minus strand). VCF-style: chr2-151565139-T-C. GRCh37 (hg19) VCF-style: chr2-152421653-T-C.
Other names: c.18376A>G, p.Lys6126Glu (NM_001164507.2, NM_001271208.2); c.13273A>G, p.Lys4425Glu (NM_004543.5); short protein forms K4425E, K6126E.
Identifiers: ClinVar variation 3695067 (VCV003695067.2).
Genomic context (GRCh38, chr2:151,565,139, plus strand): 5'-AGATATGTGGTGTATCTGGTGAAAACGTATATTTGCCCTTTGCTTTATTAAATGTTTCTT[T>C]ATATTTTACCTAAGGAGAGAAAACCAAATCTTTTATTACTATAAATGAATATTAAATTTT-3'
Protein context (NP_001157980.2, residues 6116-6136): NSVNQSDVKY[Lys6126Glu]ETFNKAKGKY